The following is an entry in ClinVar:

ClinVar aggregate classification (germline): Conflicting classifications of pathogenicity. Review status: criteria provided, conflicting classifications (1 of 4 stars). 6 submissions from 6 submitters: Uncertain significance (1); Likely benign (4). 1 of the submissions does not count toward it. Last evaluated 2025-12-01.

Conditions:
Inborn genetic diseases. Identifiers: MedGen C0950123, MeSH D030342.
LAMA1-related disorder. Also called: LAMA1-related disorders; LAMA1-related condition.

Allele frequency attached by ClinVar (database versions not stated): gnomAD exomes 0.00024; ExAC 0.00030; 1000 Genomes Project 30x 0.00047; 1000 Genomes Project 0.00060; gnomAD 0.00074 and 0.00079; TOPMed 0.00084; ESP Exome Variant Server 0.00108.
gnomAD v4.1: 263 of 1,614,130 alleles (0.016%); highest among the groups gnomAD compares: African/African-American, 0.3%; 1 homozygote.

Submissions (6):

Labcorp Genetics (formerly Invitae), Labcorp
Classification: Likely benign. Last evaluated: 2025-12-01. Review status: criteria provided, single submitter. Criteria: Invitae Variant Classification Sherloc (09022015). Collection method: clinical testing. Allele origin: germline.

Women's Health and Genetics/Laboratory Corporation of America, LabCorp
Classification: Likely benign. Last evaluated: 2025-06-17. Review status: criteria provided, single submitter. Criteria: LabCorp Variant Classification Summary - May 2015. Collection method: clinical testing. Allele origin: germline.
Comment: Variant summary: LAMA1 c.6025G>A (p.Ala2009Thr) results in a non-conservative amino acid change in the encoded protein sequence. Algorithms developed to predict the effect of missense changes on protein structure and function are either unavailable or do not agree on the potential impact of this missense change. The variant allele was found at a frequency of 0.00024 in 251300 control chromosomes, predominantly at a frequency of 0.0031 within the African or African-American subpopulation in the gnomAD database. The observed variant frequency within African or African-American control individuals in the gnomAD database exceeds the estimated maximal expected allele frequency for a pathogenic variant in LAMA1 causing Ataxia-Intellectual Disability-Oculomotor Apraxia-Cerebellar Cysts Syndrome phenotype. To our knowledge, no occurrence of c.6025G>A in individuals affected with Ataxia-Intellectual Disability-Oculomotor Apraxia-Cerebellar Cysts Syndrome and no experimental evidence demonstrating its impact on protein function have been reported. ClinVar contains an entry for this variant (Variation ID: 755298). Based on the evidence outlined above, the variant was classified as likely benign.

Blueprint Genetics
Classification: Likely benign. Last evaluated: 2024-08-05. Review status: criteria provided, single submitter. Criteria: ACMG Guidelines, 2015. Collection method: clinical testing. Allele origin: germline.

GeneDx
Classification: Uncertain significance. Last evaluated: 2023-05-14. Review status: criteria provided, single submitter. Criteria: GeneDx Variant Classification Process June 2021. Collection method: clinical testing. Allele origin: germline. Affected: yes.
Comment: Has not been previously published as pathogenic or benign to our knowledge; In silico analysis supports that this missense variant does not alter protein structure/function

Ambry Genetics
Classification: Likely benign for Inborn genetic diseases. Last evaluated: 2022-09-19. Review status: criteria provided, single submitter. Criteria: Ambry Variant Classification Scheme 2023. Collection method: clinical testing. Allele origin: germline.

PreventionGenetics, part of Exact Sciences
Classification: Likely benign for LAMA1-related condition. Last evaluated: 2023-10-29. Review status: no assertion criteria provided. Collection method: clinical testing. Allele origin: germline. Not counted in ClinVar's aggregate classification.
Comment: This variant is classified as likely benign based on ACMG/AMP sequence variant interpretation guidelines (Richards et al. 2015 PMID: 25741868, with internal and published modifications).

NM_005559.4(LAMA1):c.6025G>A (p.Ala2009Thr)

Gene: LAMA1 (laminin subunit alpha 1; minus strand). Cytogenetic location: 18p11.31.
Variant type: single nucleotide variant.
Coding change: c.6025G>A on transcript NM_005559.4 (MANE Select); coding-DNA position 6025, G replaced by A.
Protein change: p.Ala2009Thr; replaces alanine 2009 with threonine.
Molecular consequence: missense variant.
Genome position (GRCh38, 1-based): chr18:6,978,361, C>T on the plus strand (G>A on the coding strand, the complement: LAMA1 is on the minus strand). VCF-style: chr18-6978361-C-T. GRCh37 (hg19) VCF-style: chr18-6978360-C-T.
Other names: short protein forms A2009T.
Identifiers: ClinVar variation 755298 (VCV000755298.16), dbSNP rs147813944, ClinGen allele CA8881376.